The following is an entry in ClinVar:

ClinVar aggregate classification (germline): Conflicting classifications of pathogenicity. Review status: criteria provided, conflicting classifications (1 of 4 stars). 3 submissions from 3 submitters: Uncertain significance (2); Likely benign (1). Last evaluated 2026-09-03.

Conditions:
Hereditary nonpolyposis colorectal neoplasms. Identifiers: MedGen C0009405, MeSH D003123.
Hereditary cancer-predisposing syndrome. Also called: Neoplastic Syndromes, Hereditary; Hereditary Cancer Syndrome; Hereditary neoplastic syndrome; Tumor predisposition. Identifiers: Orphanet 140162, MedGen C0027672, MeSH D009386, MONDO:0015356.

Allele frequency attached by ClinVar (database versions not stated): gnomAD exomes below 0.00001.
gnomAD v4.1: 4 of 1,614,016 alleles (0.00025%); highest among the groups gnomAD compares: East Asian, 0.0022%; no homozygotes.

Submissions (3):

Ambry Genetics
Classification: Uncertain significance for Hereditary cancer-predisposing syndrome. Last evaluated: 2026-09-03. Review status: criteria provided, single submitter. Criteria: Ambry Variant Classification Scheme 2023. Collection method: clinical testing. Allele origin: germline.
Comment: The p.P462L variant (also known as c.1385C>T), located in coding exon 4 of the MSH6 gene, results from a C to T substitution at nucleotide position 1385. The proline at codon 462 is replaced by leucine, an amino acid with similar properties. This variant has been reported in an individual with colorectal cancer who either met Bethesda or Amsterdam Criteria or had abnormal IHC for mismatch repair protein(s), although specific clinical details were not provided (Fanale D et al. Front Oncol, 2022 Feb;12:827822). This amino acid position is highly conserved in available vertebrate species. In addition, this alteration is predicted to be deleterious by in silico analysis. Based on the available evidence, the clinical significance of this variant remains unclear.

Labcorp Genetics (formerly Invitae), Labcorp
Classification: Likely benign for Hereditary nonpolyposis colorectal neoplasms. Last evaluated: 2025-12-08. Review status: criteria provided, single submitter. Criteria: Invitae Variant Classification Sherloc (09022015). Collection method: clinical testing. Allele origin: germline.

Color Diagnostics, LLC DBA Color Health
Classification: Uncertain significance for Hereditary cancer-predisposing syndrome. Last evaluated: 2023-12-05. Review status: criteria provided, single submitter. Criteria: ACMG Guidelines, 2015. Collection method: clinical testing. Allele origin: germline.
Comment: This missense variant replaces proline with leucine at codon 462 of the MSH6 protein. Computational prediction suggests that this variant may have deleterious impact on protein structure and function (internally defined REVEL score threshold >= 0.7, PMID: 27666373). To our knowledge, functional studies have not been reported for this variant. This variant has been reported in individuals affected with Lynch syndrome-associated colorectal cancer (PMID: 35223509). This variant has not been identified in the general population by the Genome Aggregation Database (gnomAD). The available evidence is insufficient to determine the role of this variant in disease conclusively. Therefore, this variant is classified as a Variant of Uncertain Significance.

Literature cited by the submitters: PubMed 35223509 (cited by Ambry Genetics and Color Diagnostics, LLC DBA Color Health).

NM_000179.3(MSH6):c.1385C>T (p.Pro462Leu)

Gene: MSH6 (mutS homolog 6; plus strand). Cytogenetic location: 2p16.3.
Variant type: single nucleotide variant.
Coding change: c.1385C>T on transcript NM_000179.3 (MANE Select); coding-DNA position 1385, C replaced by T.
Protein change: p.Pro462Leu; replaces proline 462 with leucine.
Molecular consequence: missense variant.
Genome position (GRCh38, 1-based): chr2:47,799,368, C>T. VCF-style: chr2-47799368-C-T. GRCh37 (hg19) VCF-style: chr2-48026507-C-T.
Other names: c.995C>T, p.Pro332Leu (NM_001281492.2); c.479C>T, p.Pro160Leu (NM_001281493.2, NM_001281494.2); short protein forms P462L, P160L, P332L.
Identifiers: ClinVar variation 578073 (VCV000578073.15), dbSNP rs1558661506, ClinGen allele CA346745042.
Genomic context (GRCh38, chr2:47,799,368, plus strand): 5'-TTGGAGTCAGTGAACTGGGGCTGGTATTCATGAAAGGCAACTGGGCCCATTCTGGCTTTC[C>T]TGAAATTGCATTTGGCCGTTATTCAGATTCCCTGGTGCAGAAGGGCTATAAAGTAGCACG-3'
Protein context (NP_000170.1, residues 452-472): MKGNWAHSGF[Pro462Leu]EIAFGRYSDS